The following is an entry in ClinVar:

ClinVar aggregate classification (germline): Uncertain significance (1 of 4 stars; one submission).

Conditions:
Hypoproteinemia, hypercatabolic (IMD43). Also called: IMMUNODEFICIENCY 43; BETA-2-MICROGLOBULIN DEFICIENCY; B2M DEFICIENCY; MHC CLASS I DEFICIENCY 4. Identifiers: MedGen C1855796, MONDO:0009434, OMIM 241600.

gnomAD v4.1: 7 of 1,613,474 alleles (0.00043%); highest among the groups gnomAD compares: African/African-American, 0.008%; no homozygotes.

Submission:

Labcorp Genetics (formerly Invitae), Labcorp
Classification: Uncertain significance for Hypoproteinemia, hypercatabolic. Last evaluated: 2025-05-26. Review status: criteria provided, single submitter. Criteria: Invitae Variant Classification Sherloc (09022015). Collection method: clinical testing. Allele origin: germline.
Comment: This sequence change replaces isoleucine, which is neutral and non-polar, with leucine, which is neutral and non-polar, at codon 21 of the B2M protein (p.Ile21Leu). This variant is present in population databases (rs757230673, gnomAD 0.02%). This variant has not been reported in the literature in individuals affected with B2M-related conditions. An algorithm developed to predict the effect of missense changes on protein structure and function (PolyPhen-2) suggests that this variant is likely to be tolerated. In summary, the available evidence is currently insufficient to determine the role of this variant in disease. Therefore, it has been classified as a Variant of Uncertain Significance.

NM_004048.4(B2M):c.61A>C (p.Ile21Leu)

Gene: B2M (beta-2-microglobulin; plus strand). Cytogenetic location: 15q21.1.
Variant type: single nucleotide variant.
Coding change: c.61A>C on transcript NM_004048.4 (MANE Select); coding-DNA position 61, A replaced by C.
Protein change: p.Ile21Leu; replaces isoleucine 21 with leucine.
Molecular consequence: missense variant.
Genome position (GRCh38, 1-based): chr15:44,711,607, A>C. VCF-style: chr15-44711607-A-C. GRCh37 (hg19) VCF-style: chr15-45003805-A-C.
Other names: short protein forms I21L.
Identifiers: ClinVar variation 4697809 (VCV004697809.1).